The following is an entry in ClinVar:

ClinVar aggregate classification (germline): Uncertain significance. Review status: criteria provided, multiple submitters, no conflicts (2 of 4 stars). 5 submissions from 5 submitters: Uncertain significance (5). Last evaluated 2025-05-27.

Conditions:
Classic or attenuated familial adenomatous polyposis. Identifiers: MedGen CN372698, MONDO:0021057.
Familial adenomatous polyposis 1 (FAP1). Also called: POLYPOSIS, ADENOMATOUS INTESTINAL; FAMILIAL ADENOMATOUS POLYPOSIS 1, ATTENUATED. Identifiers: MedGen C2713442, MONDO:0021056, OMIM 175100. Disease mechanism: loss of function.
Hereditary cancer-predisposing syndrome. Also called: Hereditary neoplastic syndrome; Neoplastic Syndromes, Hereditary; Hereditary Cancer Syndrome; Tumor predisposition. Identifiers: Orphanet 140162, MedGen C0027672, MeSH D009386, MONDO:0015356.

Allele frequency attached by ClinVar (database versions not stated): gnomAD exomes below 0.00001; TOPMed below 0.00001; gnomAD 0.00001.

Submissions (5):

Labcorp Genetics (formerly Invitae), Labcorp
Classification: Uncertain significance for Familial adenomatous polyposis 1. Last evaluated: 2025-05-27. Review status: criteria provided, single submitter. Criteria: Invitae Variant Classification Sherloc (09022015). Collection method: clinical testing. Allele origin: germline.
Comment: This sequence change replaces isoleucine, which is neutral and non-polar, with valine, which is neutral and non-polar, at codon 1055 of the APC protein (p.Ile1055Val). This variant is not present in population databases (gnomAD no frequency). This variant has not been reported in the literature in individuals affected with APC-related conditions. ClinVar contains an entry for this variant (Variation ID: 659813). Invitae Evidence Modeling of protein sequence and biophysical properties (such as structural, functional, and spatial information, amino acid conservation, physicochemical variation, residue mobility, and thermodynamic stability) indicates that this missense variant is not expected to disrupt APC protein function with a negative predictive value of 95%. In summary, the available evidence is currently insufficient to determine the role of this variant in disease. Therefore, it has been classified as a Variant of Uncertain Significance.

All of Us Research Program, National Institutes of Health
Classification: Uncertain significance for Classic or attenuated familial adenomatous polyposis. Last evaluated: 2023-12-18. Review status: criteria provided, single submitter. Criteria: ACMG Guidelines, 2015. Collection method: clinical testing. Allele origin: germline. Inheritance: Autosomal dominant inheritance. Observed: 1 variant allele, 1 heterozygote.
Comment: This missense variant replaces isoleucine with valine at codon 1055 of the APC protein. Computational prediction suggests that this variant may not impact protein structure and function (internally defined REVEL score threshold <= 0.5, PMID: 27666373). To our knowledge, functional studies have not been reported for this variant. This variant has not been reported in individuals affected with APC-related disorders in the literature. This variant has not been identified in the general population by the Genome Aggregation Database (gnomAD). The available evidence is insufficient to determine the role of this variant in disease conclusively. Therefore, this variant is classified as a Variant of Uncertain Significance.

This study involves interpretation of variants in research participants for the purpose of population health screening. Participant phenotype was not available at the time of variant classification. Additional details can be found in publication PMID: 35346344, PMCID: PMC8962531

Color Diagnostics, LLC DBA Color Health
Classification: Uncertain significance for Hereditary cancer-predisposing syndrome. Last evaluated: 2023-12-05. Review status: criteria provided, single submitter. Criteria: ACMG Guidelines, 2015. Collection method: clinical testing. Allele origin: germline.
Comment: This missense variant replaces isoleucine with valine at codon 1055 of the APC protein. Computational prediction suggests that this variant may not impact protein structure and function (internally defined REVEL score threshold <= 0.5, PMID: 27666373). To our knowledge, functional studies have not been reported for this variant. This variant has not been reported in individuals affected with APC-related disorders in the literature. This variant has not been identified in the general population by the Genome Aggregation Database (gnomAD). The available evidence is insufficient to determine the role of this variant in disease conclusively. Therefore, this variant is classified as a Variant of Uncertain Significance.

Ambry Genetics
Classification: Uncertain significance for Hereditary cancer-predisposing syndrome. Last evaluated: 2023-09-06. Review status: criteria provided, single submitter. Criteria: Ambry Variant Classification Scheme 2023. Collection method: clinical testing. Allele origin: germline.
Comment: The p.I1055V variant (also known as c.3163A>G), located in coding exon 15 of the APC gene, results from an A to G substitution at nucleotide position 3163. The isoleucine at codon 1055 is replaced by valine, an amino acid with highly similar properties. This amino acid position is not well conserved in available vertebrate species. In addition, in silico predictors for this gene do not accurately predict pathogenicity. Since supporting evidence is limited at this time, the clinical significance of this alteration remains unclear.

Genetic Services Laboratory, University of Chicago
Classification: Uncertain significance. Last evaluated: 2020-02-24. Review status: criteria provided, single submitter. Criteria: ACMG Guidelines, 2015. Collection method: clinical testing. Allele origin: germline. Affected: no.
Comment: DNA sequence analysis of the APC gene demonstrated a sequence change, c.3163A>G, in exon 16 that results in an amino acid change, p.Ile1055Val. This sequence change does not appear to have been previously described in patients with APC-related disorders and has also not been described in population databases (gnomAD, ExAC). The p.Ile1055Val change affects a moderately conserved amino acid residue located in a domain of the APC protein that is not known to be functional. The p.Ile1055Val substitution appears to be benign using several in-silico pathogenicity prediction tools (SIFT, PolyPhen2, Align GVGD, REVEL). Due to these contrasting evidences and the lack of functional studies, the clinical significance of the p.Ile1055Val change remains unknown at this time.

NM_000038.6(APC):c.3163A>G (p.Ile1055Val)

Gene: APC (APC regulator of Wnt signaling pathway; plus strand). Cytogenetic location: 5q22.2.
Variant type: single nucleotide variant.
Coding change: c.3163A>G on transcript NM_000038.6 (MANE Select); coding-DNA position 3163, A replaced by G.
Protein change: p.Ile1055Val; replaces isoleucine 1055 with valine.
Molecular consequence: missense variant.
Genome position (GRCh38, 1-based): chr5:112,838,757, A>G. VCF-style: chr5-112838757-A-G. GRCh37 (hg19) VCF-style: chr5-112174454-A-G.
Other names: c.3163A>G, p.Ile1055Val (NM_001127510.3, NM_001354895.2); c.3109A>G, p.Ile1037Val (NM_001127511.3); c.3217A>G, p.Ile1073Val (NM_001354896.2); c.3193A>G, p.Ile1065Val (NM_001354897.2); c.3088A>G, p.Ile1030Val (NM_001354898.2); c.3079A>G, p.Ile1027Val (NM_001354899.2); c.3040A>G, p.Ile1014Val (NM_001354900.2); c.2986A>G, p.Ile996Val (NM_001354901.2); and 5 more; short protein forms I1014V, I1030V, I1073V, I895V, I1037V, I1055V, I1065V, I954V.
Identifiers: ClinVar variation 659813 (VCV000659813.24), dbSNP rs1580631854, ClinGen allele CA16028265.